The following is an entry in ClinVar:

NM_000059.4(BRCA2):c.9257-1360A>G

Gene: BRCA2 (BRCA2 DNA repair associated; plus strand). Cytogenetic location: 13q13.1.
Variant type: single nucleotide variant.
Coding change: c.9257-1360A>G on transcript NM_000059.4 (MANE Select); 1360 bases into the intron before coding-DNA position 9257, A replaced by G.
Molecular consequence: intron variant.
Genome position (GRCh38, 1-based): chr13:32,393,329, A>G. VCF-style: chr13-32393329-A-G. GRCh37 (hg19) VCF-style: chr13-32967466-A-G.
Other names: IVS 24-1360A>G.
Identifiers: ClinVar variation 209960 (VCV000209960.1), dbSNP rs9526165, ClinGen allele CA276927.

ClinVar aggregate classification (germline): Benign (3 of 4 stars; one submission).

Conditions:
Breast-ovarian cancer, familial, susceptibility to, 2 (BROVCA2). Also called: BRCA2 Hereditary Breast and Ovarian Cancer. Identifiers: Orphanet 145, MedGen C2675520, MONDO:0012933, OMIM 612555. Disease mechanism: loss of function.

Allele frequency attached by ClinVar (database versions not stated): 1000 Genomes Project 30x 0.50859; TOPMed 0.51040; 1000 Genomes Project 0.51178; gnomAD 0.51785 and 0.51786.
gnomAD v4.1: 78,591 of 151,994 alleles (52%); highest among the groups gnomAD compares: East Asian, 57%; 20,413 homozygotes.

Submission:

Evidence-based Network for the Interpretation of Germline Mutant Alleles (ENIGMA)
Classification: Benign for Breast-ovarian cancer, familial 2. Last evaluated: 2015-01-12. Review status: reviewed by expert panel. Criteria: ENIGMA BRCA1/2 Classification Criteria (2015). Collection method: curation. Allele origin: germline.
Comment: Class 1 not pathogenic based on frequency >1% in an outbred sampleset. Frequency 0.549 (Asian), 0.502 (African), 0.5383 (European), derived from 1000 genomes (2012-04-30).